The following is an entry in ClinVar:

ClinVar aggregate classification (germline): Uncertain significance (1 of 4 stars; one submission).

Submission:

Labcorp Genetics (formerly Invitae), Labcorp
Classification: Uncertain significance. Last evaluated: 2025-03-04. Review status: criteria provided, single submitter. Criteria: Invitae Variant Classification Sherloc (09022015). Collection method: clinical testing. Allele origin: germline.
Comment: This sequence change replaces tyrosine, which is neutral and polar, with asparagine, which is neutral and polar, at codon 1223 of the DSCAML1 protein (p.Tyr1223Asn). This variant is not present in population databases (gnomAD no frequency). This variant has not been reported in the literature in individuals affected with DSCAML1-related conditions. An algorithm developed to predict the effect of missense changes on protein structure and function (PolyPhen-2) suggests that this variant is likely to be disruptive. In summary, the available evidence is currently insufficient to determine the role of this variant in disease. Therefore, it has been classified as a Variant of Uncertain Significance.

NM_020693.4(DSCAML1):c.3487T>A (p.Tyr1163Asn)

Gene: DSCAML1 (DS cell adhesion molecule like 1; minus strand). Cytogenetic location: 11q23.3.
Variant type: single nucleotide variant.
Coding change: c.3487T>A on transcript NM_020693.4 (MANE Select); coding-DNA position 3487, T replaced by A.
Protein change: p.Tyr1163Asn; replaces tyrosine 1163 with asparagine.
Molecular consequence: missense variant.
Genome position (GRCh38, 1-based): chr11:117,458,835, A>T on the plus strand (T>A on the coding strand, the complement: DSCAML1 is on the minus strand). VCF-style: chr11-117458835-A-T. GRCh37 (hg19) VCF-style: chr11-117329551-A-T.
Other names: short protein forms Y1163N.
Identifiers: ClinVar variation 3722096 (VCV003722096.2).